The following is an entry in ClinVar:

ClinVar aggregate classification (germline): Uncertain significance (1 of 4 stars; one submission).

Allele frequency attached by ClinVar (database versions not stated): gnomAD exomes below 0.00001.

Submission:

Labcorp Genetics (formerly Invitae), Labcorp
Classification: Uncertain significance. Last evaluated: 2022-02-11. Review status: criteria provided, single submitter. Criteria: Invitae Variant Classification Sherloc (09022015). Collection method: clinical testing. Allele origin: germline.
Comment: This variant has not been reported in the literature in individuals affected with ZNF513-related conditions. Algorithms developed to predict the effect of missense changes on protein structure and function (SIFT, PolyPhen-2, Align-GVGD) all suggest that this variant is likely to be disruptive. This variant is present in population databases (no rsID available, gnomAD 0.001%). This sequence change replaces proline, which is neutral and non-polar, with serine, which is neutral and polar, at codon 131 of the ZNF513 protein (p.Pro131Ser). In summary, the available evidence is currently insufficient to determine the role of this variant in disease. Therefore, it has been classified as a Variant of Uncertain Significance.

NM_144631.6(ZNF513):c.391C>T (p.Pro131Ser)

Gene: ZNF513 (zinc finger protein 513; minus strand). Cytogenetic location: 2p23.3.
Variant type: single nucleotide variant.
Coding change: c.391C>T on transcript NM_144631.6 (MANE Select); coding-DNA position 391, C replaced by T.
Protein change: p.Pro131Ser; replaces proline 131 with serine.
Molecular consequence: missense variant.
Genome position (GRCh38, 1-based): chr2:27,378,875, G>A on the plus strand (C>T on the coding strand, the complement: ZNF513 is on the minus strand). VCF-style: chr2-27378875-G-A. GRCh37 (hg19) VCF-style: chr2-27601742-G-A.
Other names: c.205C>T, p.Pro69Ser (NM_001201459.2); short protein forms P131S, P69S.
Identifiers: ClinVar variation 2096806 (VCV002096806.4), dbSNP rs1254000435, ClinGen allele CA346218466.